The following is an entry in ClinVar:

ClinVar aggregate classification (germline): Benign/Likely benign. Review status: criteria provided, multiple submitters, no conflicts (2 of 4 stars). 4 submissions from 4 submitters: Benign (1); Likely benign (3). Last evaluated 2026-01-28.

Conditions:
Methylmalonic acidemia due to methylmalonyl-CoA epimerase deficiency. Also called: METHYLMALONYL-CoA RACEMASE DEFICIENCY; METHYLMALONIC ACIDURIA III; Methylmalonyl-CoA Epimerase Deficiency. Identifiers: Orphanet 308425, MedGen C1855100, MONDO:0009615, OMIM 251120.

Allele frequency attached by ClinVar (database versions not stated): 1000 Genomes Project 0.00220; 1000 Genomes Project 30x 0.00250; gnomAD 0.00412 and 0.00454; TOPMed 0.00450; ESP Exome Variant Server 0.00523.
gnomAD v4.1: 1,145 of 1,599,436 alleles (0.072%); highest among the groups gnomAD compares: African/African-American, 1.4%; 16 homozygotes.

Submissions (5):

Labcorp Genetics (formerly Invitae), Labcorp
Classification: Benign for Methylmalonic acidemia due to methylmalonyl-CoA epimerase deficiency. Last evaluated: 2026-01-28. Review status: criteria provided, single submitter. Criteria: Invitae Variant Classification Sherloc (09022015). Collection method: clinical testing. Allele origin: germline.

ARUP Laboratories, Molecular Genetics and Genomics, ARUP Laboratories
Classification: Likely benign for Methylmalonic acidemia due to methylmalonyl-CoA epimerase deficiency. Last evaluated: 2025-06-03. Review status: criteria provided, single submitter. Criteria: ARUP Molecular Germline Variant Investigation Process 2024. Collection method: clinical testing. Allele origin: germline.

Mayo Clinic Laboratories, Mayo Clinic
Classification: Likely benign. Last evaluated: 2024-12-31. Review status: criteria provided, single submitter. Criteria: ACMG Guidelines, 2015. Collection method: clinical testing. Allele origin: germline. Observed: 2 variant alleles.
Comment: BS1, BP4, BP7

Illumina Laboratory Services, Illumina
Classification: Likely benign for Methylmalonic acidemia due to methylmalonyl-CoA epimerase deficiency. Last evaluated: 2018-01-12. Review status: criteria provided, single submitter. Criteria: ICSL Variant Classification Criteria 13 December 2019. Collection method: clinical testing. Allele origin: germline.
Comment: This variant was observed in the ICSL laboratory as part of a predisposition screen in an ostensibly healthy population. It had not been previously curated by ICSL or reported in the Human Gene Mutation Database (HGMD: prior to June 1st, 2018), and was therefore a candidate for classification through an automated scoring system. Utilizing variant allele frequency, disease prevalence and penetrance estimates, and inheritance mode, an automated score was calculated to assess if this variant is too frequent to cause the disease. Based on the score and internal cut-off values, a variant classified as likely benign is not then subjected to further curation. The score for this variant resulted in a classification of likely benign for this disease.

Dr. Peter K. Rogan Lab, Western University
No classification provided (evidence only). Condition: Ovarian serous cystadenocarcinoma. Review status: no classification provided. Collection method: in vitro. Allele origin: not applicable. Functional consequence: retained intron. Not counted in ClinVar's aggregate classification.

NM_032601.4(MCEE):c.41-13T>A

Gene: MCEE (methylmalonyl-CoA epimerase; minus strand). Cytogenetic location: 2p13.3.
Variant type: single nucleotide variant.
Coding change: c.41-13T>A on transcript NM_032601.4 (MANE Select); 13 bases into the intron before coding-DNA position 41, T replaced by A.
Molecular consequence: intron variant.
Genome position (GRCh38, 1-based): chr2:71,124,556, A>T on the plus strand (T>A on the coding strand, the complement: MCEE is on the minus strand). VCF-style: chr2-71124556-A-T. GRCh37 (hg19) VCF-style: chr2-71351686-A-T.
Other names: p.?.
Identifiers: ClinVar variation 898376 (VCV000898376.14), dbSNP rs192296685, ClinGen allele CA1702653.